The following is an entry in ClinVar:

ClinVar aggregate classification (germline): Uncertain significance (1 of 4 stars; one submission).

Submission:

Labcorp Genetics (formerly Invitae), Labcorp
Classification: Uncertain significance. Last evaluated: 2025-03-16. Review status: criteria provided, single submitter. Criteria: Invitae Variant Classification Sherloc (09022015). Collection method: clinical testing. Allele origin: germline.
Comment: This sequence change falls in intron 3 of the ADIPOR1 gene. It does not directly change the encoded amino acid sequence of the ADIPOR1 protein. It affects a nucleotide within the consensus splice site. This variant is not present in population databases (gnomAD no frequency). This variant has not been reported in the literature in individuals affected with ADIPOR1-related conditions. ClinVar contains an entry for this variant (Variation ID: 1474720). Variants that disrupt the consensus splice site are a relatively common cause of aberrant splicing (PMID: 17576681, 9536098). Algorithms developed to predict the effect of sequence changes on RNA splicing suggest that this variant is not likely to affect RNA splicing. In summary, the available evidence is currently insufficient to determine the role of this variant in disease. Therefore, it has been classified as a Variant of Uncertain Significance.

Literature cited by the submitters: PubMed 17576681; PubMed 9536098.

NM_015999.6(ADIPOR1):c.258+3A>T

Gene: ADIPOR1 (adiponectin receptor 1; minus strand). Cytogenetic location: 1q32.1.
Variant type: single nucleotide variant.
Coding change: c.258+3A>T on transcript NM_015999.6 (MANE Select); 3 bases into the intron after coding-DNA position 258, A replaced by T.
Molecular consequence: intron variant.
Genome position (GRCh38, 1-based): chr1:202,948,301, T>A on the plus strand (A>T on the coding strand, the complement: ADIPOR1 is on the minus strand). VCF-style: chr1-202948301-T-A. GRCh37 (hg19) VCF-style: chr1-202917429-T-A.
Other names: c.258+3A>T (NM_001290629.1, NM_001290557.1, NM_001290553.2).
Identifiers: ClinVar variation 1474720 (VCV001474720.6), dbSNP rs1358119443, ClinGen allele CA2481552094.